The following is an entry in ClinVar:

ClinVar aggregate classification (germline): Uncertain significance (1 of 4 stars; one submission).

Conditions:
Primary familial hypertrophic cardiomyopathy (HCM). Identifiers: Orphanet 99739, MedGen C0949658, MeSH D024741, MONDO:0024573. Inheritance: Various modes of inheritance.

gnomAD v4.1: 2 of 1,614,162 alleles (0.00012%); highest among the groups gnomAD compares: Admixed American, 0.0033%; no homozygotes.

Submission:

Labcorp Genetics (formerly Invitae), Labcorp
Classification: Uncertain significance for Primary familial hypertrophic cardiomyopathy. Last evaluated: 2023-10-23. Review status: criteria provided, single submitter. Criteria: Invitae Variant Classification Sherloc (09022015). Collection method: clinical testing. Allele origin: germline.
Comment: This sequence change replaces valine, which is neutral and non-polar, with alanine, which is neutral and non-polar, at codon 390 of the ILK protein (p.Val390Ala). This variant is not present in population databases (gnomAD no frequency). This variant has not been reported in the literature in individuals affected with ILK-related conditions. An algorithm developed to predict the effect of missense changes on protein structure and function (PolyPhen-2) suggests that this variant is likely to be disruptive. In summary, the available evidence is currently insufficient to determine the role of this variant in disease. Therefore, it has been classified as a Variant of Uncertain Significance.

NM_004517.4(ILK):c.1169T>C (p.Val390Ala)

Genes: TAF10 (TATA-box binding protein associated factor 10; minus strand), ILK (integrin linked kinase; plus strand). Cytogenetic location: 11p15.4.
Variant type: single nucleotide variant.
Coding change: c.1169T>C on transcript NM_004517.4 (MANE Select); coding-DNA position 1169, T replaced by C.
Protein change: p.Val390Ala; replaces valine 390 with alanine.
Molecular consequence: missense variant. On other transcripts: 3 prime UTR variant (1).
Genome position (GRCh38, 1-based): chr11:6,610,238, T>C. VCF-style: chr11-6610238-T-C. GRCh37 (hg19) VCF-style: chr11-6631469-T-C.
Other names: c.1169T>C, p.Val390Ala (NM_001014794.3, NM_001014795.3); c.986T>C, p.Val329Ala (NM_001278441.2); c.767T>C, p.Val256Ala (NM_001278442.2); c.*684A>G (NM_006284.4); short protein forms V256A, V390A, V329A.
Identifiers: ClinVar variation 2970852 (VCV002970852.3), dbSNP rs989611359, ClinGen allele CA217315990.